The following is an entry in ClinVar:

NM_000077.5(CDKN2A):c.301G>T (p.Gly101Trp)

Gene: CDKN2A (cyclin dependent kinase inhibitor 2A; minus strand). Cytogenetic location: 9p21.3.
Variant type: single nucleotide variant.
Coding change: c.301G>T on transcript NM_000077.5; coding-DNA position 301, G replaced by T.
Protein change: p.Gly101Trp; replaces glycine 101 with tryptophan.
Molecular consequence: missense variant (on NM_000077.6). On other transcripts: 3 prime UTR variant (1).
Genome position (GRCh38, 1-based): chr9:21,971,058, C>A on the plus strand (G>T on the coding strand, the complement: CDKN2A is on the minus strand). VCF-style: chr9-21971058-C-A. GRCh37 (hg19) VCF-style: chr9-21971057-C-A.
Other names: p.G101W:GGG>TGG; c.301G>T, p.Gly101Trp (NM_000077.6, NM_001195132.2); c.148G>T, p.Gly50Trp (NM_001363763.2); c.344G>T, p.Arg115Leu (NM_058195.4); c.*224G>T (NM_058197.5); short protein forms G101W, R115L, G50W.
Identifiers: ClinVar variation 9412 (VCV000009412.101), dbSNP rs104894094, ClinGen allele CA120387.
Genomic context (GRCh38, chr9:21,971,058, plus strand): 5'-GCTCCTCAGCCAGGTCCACGGGCAGACGGCCCCAGGCATCGCGCACGTCCAGCCGCGCCC[C>A]GGCCCGGTGCAGCACCACCAGCGTGTCCAGGAAGCCCTCCCGGGCAGCGTCGTGCACGGG-3'
Protein context (NP_000068.1, residues 91-111): LDTLVVLHRA[Gly101Trp]ARLDVRDAWG

ClinVar aggregate classification (germline): Pathogenic. Review status: criteria provided, multiple submitters, no conflicts (2 of 4 stars). 26 submissions from 25 submitters: Pathogenic (22). 4 of the submissions do not count toward it. Last evaluated 2026-04-04.

Conditions:
CDKN2A-related disorder. Also called: CDKN2A-related condition.
Melanoma. Identifiers: MedGen C0025202, MeSH D008545, MONDO:0005105, HP:0002861.
Melanoma and neural system tumor syndrome. Also called: MELANOMA-ASTROCYTOMA SYNDROME. Identifiers: Orphanet 252206, MedGen C1835042, MONDO:0007967, OMIM 155755.
Melanoma-pancreatic cancer syndrome. Identifiers: Orphanet 404560, MedGen C1838547, MONDO:0011713, OMIM 606719. Disease mechanism: loss of function.
Melanoma, cutaneous malignant, susceptibility to, 2 (CMM2). Also called: CDKN2A-Related Cutaneous Malignant Melanoma; Cutaneous malignant melanoma 2. Identifiers: Orphanet 618, MedGen C1835044, MONDO:0007964, OMIM 155601.
Familial melanoma. Also called: Hereditary melanoma; Hereditary cutaneous melanoma. Identifiers: Orphanet 618, MedGen C1512419, MONDO:0018961.
Hereditary cancer-predisposing syndrome. Also called: Neoplastic Syndromes, Hereditary; Tumor predisposition; Hereditary Cancer Syndrome; Hereditary neoplastic syndrome. Identifiers: Orphanet 140162, MedGen C0027672, MeSH D009386, MONDO:0015356.

Allele frequency attached by ClinVar (database versions not stated): TOPMed 0.00004.
gnomAD v4.1: 12 of 1,605,210 alleles (0.00075%); highest among the groups gnomAD compares: Non-Finnish European, 0.001%; no homozygotes.

Submissions 1 to 6 of 26:

Dasa
Classification: Pathogenic. Last evaluated: 2026-04-04. Review status: criteria provided, single submitter. Criteria: DASA Assertion Criteria. Collection method: clinical testing. Allele origin: germline.
Comment: NM_000077.5(CDKN2A):c.301G>T (p.Gly101Trp) is a missense variant that results in the substitution of glycine with tryptophan. Functional evidence supports a deleterious effect on the gene or gene product (PMID: 7987387; PMID: 7666917; PMID: 10869234; PMID: 11807902; PMID: 14679123). This variant has been recurrently observed in individuals with related phenotype (PMID: 7987387; PMID: 7666917; PMID: 10869234; PMID: 11807902; PMID: 14679123). Segregation evidence has been reported in affected families. Multiple computational predictions support a deleterious effect on the gene or gene product. The variant is present at low frequency in population datasets. Based on the available data, this variant is classified as pathogenic.

Labcorp Genetics (formerly Invitae), Labcorp
Classification: Pathogenic for Familial melanoma. Last evaluated: 2026-01-26. Review status: criteria provided, single submitter. Criteria: Invitae Variant Classification Sherloc (09022015). Collection method: clinical testing. Allele origin: germline.
Comment: The CDKN2A gene encodes two different proteins, p16INK4a and p14ARF, which are translated from alternative transcripts with different open reading frames. Both transcripts have been analyzed. We report either the variant with the higher classification or default to the CDKN2A (p16INK4a) variant. This report therefore includes the details for the CDKN2A (p16INK4a) variant. This sequence change replaces glycine, which is neutral and non-polar, with tryptophan, which is neutral and slightly polar, at codon 101 of the CDKN2A (p16INK4a) protein (p.Gly101Trp). This variant is not present in population databases (gnomAD no frequency). This missense change has been observed in individual(s) with melanoma and pancreatic cancer (PMID: 10869234, 11807902, 14679123, 15146471, 21462282, 21801156). It has also been observed to segregate with disease in related individuals. This variant is also known as c.344G>T (p.Arg115Leu) in the CDKN2A (p14ARF) transcript. ClinVar contains an entry for this variant (Variation ID: 9412). An algorithm developed to predict the effect of missense changes on protein structure and function (PolyPhen-2) suggests that this variant is likely to be disruptive. Experimental studies have shown that this missense change affects CDKN2A (p16INK4a) function (PMID: 20340136, 21462282). For these reasons, this variant has been classified as Pathogenic. While the evidence indicates that this variant confers risk of developing CDKN2A (p16INK4a)-associated conditions, its association with risk for developing CDKN2A (p14ARF)-associated conditions is still unclear.

Quest Diagnostics Nichols Institute San Juan Capistrano
Classification: Pathogenic. Last evaluated: 2025-10-18. Review status: criteria provided, single submitter. Criteria: Quest Diagnostics criteria. Collection method: clinical testing. Allele origin: unknown.
Comment: The CDKN2A c.301G>T (p.Gly101Trp) variant has been reported in the published literature in individuals/families affected with melanoma and/or pancreatic cancer (PMID: 39029294 (2024), 33102592 (2020), 30291219 (2020), 29543703 (2018), 21462282 (2011), 14679123 (2004), 11579459 (2001), 10869234 (2000), 10508477 (1999), 8552158 (1996), and 7666917 (1995)) and is statistically associated with disease in multiple affected families (PMID: 10869234 (2000)). Extensive data from functional studies demonstrated that this variant had damaging effects on protein function, specifically decreased binding to CDK4 and CDK6 and inhibition of cell cycle (PMID: 24659262 (2014), 21462282 (2011), 20340136 (2010), 19260062 (2009), 10389768 (1998), 9324288 (1997), 8668202 (1996), 8755727 (1996), 7647780 (1995), 7566978 (1995)). The frequency of this variant in the general population (Genome Aggregation Database) is uninformative in the assessment of its pathogenicity. Analysis of this variant using bioinformatics tools for the prediction of the effect of amino acid changes on protein structure and function yielded predictions that this variant is damaging. Based on the available information, the c.301G>T (p.Gly101Trp) variant is classified as pathogenic. In the alternate reading frame of the CDKN2A (p14) gene, this variant known as c.344G>T (p.Arg115Leu)has not been reported independently of the p16 variant (c.301G>T (p.Gly101Trp)) in individuals with CDKN2A-related conditions in the published literature. The frequency of this variant in the general population (Genome Aggregation Database) is uninformative in the assessment of its pathogenicity. Analysis of this variant using bioinformatics tools for the prediction of the effect of amino acid changes on protein structure and function yielded predictions that this variant is damaging. Based on the available information, we are unable to determine the clinical significance of the c.344G>T (p.Arg115Leu) variant.

Institute of Human Genetics Munich, TUM University Hospital
Classification: Pathogenic for Melanoma-pancreatic cancer syndrome. Last evaluated: 2025-06-23. Review status: criteria provided, single submitter. Criteria: Classification criteria August 2017. Collection method: clinical testing. Allele origin: germline. Inheritance: Autosomal dominant inheritance. Affected: yes. Observed: 1 variant allele.

Center for Genomic Medicine, Rigshospitalet, Copenhagen University Hospital
Classification: Pathogenic. Last evaluated: 2025-03-04. Review status: criteria provided, single submitter. Criteria: ACMG Guidelines, 2015. Collection method: clinical testing. Allele origin: germline.

CeGaT Center for Human Genetics Tuebingen
Classification: Pathogenic. Last evaluated: 2024-10-01. Review status: criteria provided, single submitter. Criteria: CeGaT Center For Human Genetics Tuebingen Variant Classification Criteria Version 2. Collection method: clinical testing. Allele origin: germline. Affected: yes. Observed: 5 variant alleles.
Comment: CDKN2A: PP1:Strong, PM1, PM2, PS4:Moderate, PS3:Supporting, BP4